The following is an entry in ClinVar:

NM_001164508.2(NEB):c.21037T>G (p.Trp7013Gly)

Gene: NEB (nebulin; minus strand). Cytogenetic location: 2q23.3.
Variant type: single nucleotide variant.
Coding change: c.21037T>G on transcript NM_001164508.2 (MANE Select); coding-DNA position 21037, T replaced by G.
Protein change: p.Trp7013Gly; replaces tryptophan 7013 with glycine.
Molecular consequence: missense variant.
Genome position (GRCh38, 1-based): chr2:151,537,937, A>C on the plus strand (T>G on the coding strand, the complement: NEB is on the minus strand). VCF-style: chr2-151537937-A-C. GRCh37 (hg19) VCF-style: chr2-152394451-A-C.
Other names: c.21037T>G, p.Trp7013Gly (NM_001164507.2, NM_001271208.2); c.15934T>G, p.Trp5312Gly (NM_004543.5); short protein forms W5312G, W7013G.
Identifiers: ClinVar variation 1365458 (VCV001365458.8), dbSNP rs2153551039, ClinGen allele CA348775955.
Genomic context (GRCh38, chr2:151,537,937, plus strand): 5'-TGACTGTGTCAGTGACTGCTCGGTGGTGGAAATGCTCTGGACGATCAGGAATGGACCTCC[A>C]GATACCCAACTGGCTCATGTAGTTCTCCTTGTATTTTATCTGTTATAAAAAACACAAAGA-3'
Protein context (NP_001157980.2, residues 7003-7023): KENYMSQLGI[Trp7013Gly]RSIPDRPEHF

ClinVar aggregate classification (germline): Uncertain significance (1 of 4 stars; one submission).

Conditions:
Nemaline myopathy 2 (NEM2). Also called: Nemaline myopathy 2, autosomal recessive. Identifiers: MedGen C1850569, MONDO:0009725, OMIM 256030.

gnomAD v4.1: 1 of 1,613,558 alleles (0.000062%); highest among the groups gnomAD compares: Non-Finnish European, 0.000085%; no homozygotes.

Submission:

Labcorp Genetics (formerly Invitae), Labcorp
Classification: Uncertain significance for Nemaline myopathy 2. Last evaluated: 2022-08-16. Review status: criteria provided, single submitter. Criteria: Invitae Variant Classification Sherloc (09022015). Collection method: clinical testing. Allele origin: germline.
Comment: In summary, the available evidence is currently insufficient to determine the role of this variant in disease. Therefore, it has been classified as a Variant of Uncertain Significance. Algorithms developed to predict the effect of missense changes on protein structure and function are either unavailable or do not agree on the potential impact of this missense change (SIFT: "Deleterious"; PolyPhen-2: "Not Available"; Align-GVGD: "Class C0"). ClinVar contains an entry for this variant (Variation ID: 1365458). This variant has not been reported in the literature in individuals affected with NEB-related conditions. This variant is not present in population databases (gnomAD no frequency). This sequence change replaces tryptophan, which is neutral and slightly polar, with glycine, which is neutral and non-polar, at codon 7013 of the NEB protein (p.Trp7013Gly).